The following is an entry in ClinVar:

ClinVar aggregate classification (germline): Pathogenic. Review status: criteria provided, multiple submitters, no conflicts (2 of 4 stars). 4 submissions from 4 submitters: Pathogenic (4). Last evaluated 2025-12-02.

Conditions:
Hereditary cancer-predisposing syndrome. Also called: Tumor predisposition; Hereditary neoplastic syndrome; Neoplastic Syndromes, Hereditary; Hereditary Cancer Syndrome. Identifiers: Orphanet 140162, MedGen C0027672, MeSH D009386, MONDO:0015356.
Cardiovascular phenotype. Identifiers: MedGen CN230736.
Neurofibromatosis, type 1 (NF1). Also called: Peripheral type neurofibromatosis; VON RECKLINGHAUSEN DISEASE; Neurofibromatosis, type I; NEUROFIBROMATOSIS, TYPE I, SOMATIC. Identifiers: Orphanet 636, MedGen C0027831, MONDO:0018975, OMIM 162200. Disease mechanism: loss of function.

Allele frequency attached by ClinVar (database versions not stated): TOPMed below 0.00001; gnomAD 0.00001.
gnomAD v4.1: 1 of 1,613,886 alleles (0.000062%); no homozygotes.

Submissions (4):

Labcorp Genetics (formerly Invitae), Labcorp
Classification: Pathogenic for Neurofibromatosis, type 1. Last evaluated: 2025-12-02. Review status: criteria provided, single submitter. Criteria: Invitae Variant Classification Sherloc (09022015). Collection method: clinical testing. Allele origin: germline.
Comment: This sequence change affects an acceptor splice site in intron 27 of the NF1 gene. It is expected to disrupt RNA splicing. Variants that disrupt the donor or acceptor splice site typically lead to a loss of protein function (PMID: 16199547), and loss-of-function variants in NF1 are known to be pathogenic (PMID: 10712197, 23913538). This variant is not present in population databases (gnomAD no frequency). Disruption of this splice site has been observed in individuals with neurofibromatosis type 1 (PMID: 9003501, 18546366, 25325900; internal data). Invitae Evidence Modeling of clinical and family history, age, sex, and reported ancestry of multiple individuals with this NF1 variant has been performed. This variant is expected to be pathogenic with a positive predictive value of at least 99%. This is a validated machine learning model that incorporates the clinical features of 1,785,918 individuals referred to our laboratory for NF1 testing. ClinVar contains an entry for this variant (Variation ID: 937830). Algorithms developed to predict the effect of sequence changes on RNA splicing suggest that this variant may disrupt the consensus splice site. For these reasons, this variant has been classified as Pathogenic.

Ambry Genetics
Classification: Pathogenic for Cardiovascular phenotype; Hereditary cancer-predisposing syndrome. Last evaluated: 2024-11-05. Review status: criteria provided, single submitter. Criteria: Ambry Variant Classification Scheme 2023. Collection method: clinical testing. Allele origin: germline.
Comment: The c.3709-2A>G intronic pathogenic mutation results from an A to G substitution two nucleotides upstream from coding exon 28 in the NF1 gene. This mutation has been detected in individuals with a clinical diagnosis or suspicion of neurofibromatosis type 1 (Upadhyaya M et al. Hum Genet, 1997 Jan;99:88-92; Pros E et al. Hum Mutat, 2008 Sep;29:E173-93;Ambry internal data). This alteration results in deletion of the first 10 nucleotides in exon 28 (Pros E et al. Hum Mutat, 2008 Sep;29:E173-93; Ambry internal data). In silico splice site analysis predicts that this alteration will weaken the native splice acceptor site and will result in the creation or strengthening of a novel splice acceptor site. This variant was not reported in population-based cohorts in the Genome Aggregation Database (gnomAD). Based on the supporting evidence, this alteration is interpreted as a disease-causing mutation.

GeneDx
Classification: Pathogenic. Last evaluated: 2022-07-01. Review status: criteria provided, single submitter. Criteria: GeneDx Variant Classification Process June 2021. Collection method: clinical testing. Allele origin: germline. Affected: yes.
Comment: Canonical splice site variant predicted to result in a null allele in a gene for which loss-of-function is a known mechanism of disease (Pros et al., 2008; Sabbagh et al., 2013); Not observed at significant frequency in large population cohorts (gnomAD); Also known as IVS21-2GA>G; This variant is associated with the following publications: (PMID: 25525159, 31766501, 16199547, 10712197, 18546366, 23913538, Bahsi2020[article], 25325900, 9003501, 28924536, Kamis2021[article], 24932921)

Genome-Nilou Lab
Classification: Pathogenic for Neurofibromatosis, type 1. Last evaluated: 2022-03-15. Review status: criteria provided, single submitter. Criteria: ACMG Guidelines, 2015. Collection method: clinical testing. Allele origin: germline. Affected: no.

Literature cited by the submitters: PubMed 16199547 (cited by Labcorp Genetics (formerly Invitae), Labcorp); PubMed 10712197 (cited by Labcorp Genetics (formerly Invitae), Labcorp); PubMed 23913538 (cited by Labcorp Genetics (formerly Invitae), Labcorp); PubMed 9003501 (cited by Labcorp Genetics (formerly Invitae), Labcorp and Ambry Genetics); PubMed 18546366 (cited by Labcorp Genetics (formerly Invitae), Labcorp and Ambry Genetics); PubMed 25325900 (cited by Labcorp Genetics (formerly Invitae), Labcorp).

NM_001042492.3(NF1):c.3709-2A>G

Gene: NF1 (neurofibromin 1; plus strand). Cytogenetic location: 17q11.2.
Variant type: single nucleotide variant.
Coding change: c.3709-2A>G on transcript NM_001042492.3 (MANE Select); the canonical splice acceptor site of the intron before coding-DNA position 3709, A replaced by G.
Molecular consequence: splice acceptor variant.
Genome position (GRCh38, 1-based): chr17:31,235,609, A>G. VCF-style: chr17-31235609-A-G. GRCh37 (hg19) VCF-style: chr17-29562627-A-G.
Other names: c.3709-2A>G (NM_000267.4).
Identifiers: ClinVar variation 937830 (VCV000937830.12), dbSNP rs1597722374, ClinGen allele CA398992246.
Genomic context (GRCh38, chr17:31,235,609, plus strand): 5'-GCTTCCTACCTAAGAATAAAAATGGGATTGTTTGCACTAACCTGATTTTGTTTTGTTCTC[A>G]GGATGAACTAGCTCGAGTTCTGGTTACTCTGTTTGATTCTCGGCATTTACTCTACCAACT-3'